The following is an entry in ClinVar:

ClinVar aggregate classification (germline): Uncertain significance (1 of 4 stars; one submission).

gnomAD v4.1: 2 of 1,614,070 alleles (0.00012%); highest among the groups gnomAD compares: Non-Finnish European, 0.00017%; no homozygotes.

Submission:

Labcorp Genetics (formerly Invitae), Labcorp
Classification: Uncertain significance. Last evaluated: 2024-05-13. Review status: criteria provided, single submitter. Criteria: Invitae Variant Classification Sherloc (09022015). Collection method: clinical testing. Allele origin: germline.
Comment: This sequence change replaces cysteine, which is neutral and slightly polar, with tyrosine, which is neutral and polar, at codon 296 of the IL23R protein (p.Cys296Tyr). This variant is not present in population databases (gnomAD no frequency). This variant has not been reported in the literature in individuals affected with IL23R-related conditions. An algorithm developed to predict the effect of missense changes on protein structure and function (PolyPhen-2) suggests that this variant is likely to be tolerated. In summary, the available evidence is currently insufficient to determine the role of this variant in disease. Therefore, it has been classified as a Variant of Uncertain Significance.

NM_144701.3(IL23R):c.887G>A (p.Cys296Tyr)

Gene: IL23R (interleukin 23 receptor; plus strand). Cytogenetic location: 1p31.3.
Variant type: single nucleotide variant.
Coding change: c.887G>A on transcript NM_144701.3 (MANE Select); coding-DNA position 887, G replaced by A.
Protein change: p.Cys296Tyr; replaces cysteine 296 with tyrosine.
Molecular consequence: missense variant.
Genome position (GRCh38, 1-based): chr1:67,219,662, G>A. VCF-style: chr1-67219662-G-A. GRCh37 (hg19) VCF-style: chr1-67685345-G-A.
Other names: short protein forms C296Y.
Identifiers: ClinVar variation 3673461 (VCV003673461.2).
Genomic context (GRCh38, chr1:67,219,662, plus strand): 5'-ATGTGCAACAGTCAGAATTCTACTTGGAGCCAAACATTAAGTACGTATTTCAAGTGAGAT[G>A]TCAAGAAACAGGCAAAAGGTACTGGCAGCCTTGGAGTTCACTGTTTTTTCATAAAACACC-3'
Protein context (NP_653302.2, residues 286-306): PNIKYVFQVR[Cys296Tyr]QETGKRYWQP